The following is an entry in ClinVar:

ClinVar aggregate classification (germline): Likely benign (0 of 4 stars; one submission).

Conditions:
SEMA3D-related disorder. Also called: SEMA3D-related condition.

Submission:

PreventionGenetics, part of Exact Sciences
Classification: Likely benign for SEMA3D-related condition. Last evaluated: 2022-06-08. Review status: no assertion criteria provided. Collection method: clinical testing. Allele origin: germline.
Comment: This variant is classified as likely benign based on ACMG/AMP sequence variant interpretation guidelines (Richards et al. 2015 PMID: 25741868, with internal and published modifications).

NM_001384900.1(SEMA3D):c.1768+8C>A

Gene: SEMA3D (semaphorin 3D; minus strand). Cytogenetic location: 7q21.11.
Variant type: single nucleotide variant.
Coding change: c.1768+8C>A on transcript NM_001384900.1 (MANE Select); 8 bases into the intron after coding-DNA position 1768, C replaced by A.
Molecular consequence: intron variant.
Genome position (GRCh38, 1-based): chr7:85,012,774, G>T on the plus strand (C>A on the coding strand, the complement: SEMA3D is on the minus strand). VCF-style: chr7-85012774-G-T. GRCh37 (hg19) VCF-style: chr7-84642090-G-T.
Other names: c.1768+8C>A (NM_001384901.1, NM_001384903.1, NM_001384902.1 and 1 more transcripts).
Identifiers: ClinVar variation 3353477 (VCV003353477.1).